The following is an entry in ClinVar:

ClinVar aggregate classification (germline): Uncertain significance. Review status: criteria provided, multiple submitters, no conflicts (2 of 4 stars). 3 submissions from 3 submitters: Uncertain significance (3). Last evaluated 2022-04-28.

Conditions:
Inborn genetic diseases. Identifiers: MedGen C0950123, MeSH D030342.

Allele frequency attached by ClinVar (database versions not stated): gnomAD 0.00001; TOPMed below 0.00001.
gnomAD v4.1: 1 of 1,613,858 alleles (0.000062%); highest among the groups gnomAD compares: Non-Finnish European, 0.000085%; no homozygotes.

Submissions (3):

Ambry Genetics
Classification: Uncertain significance for Inborn genetic diseases. Last evaluated: 2022-04-28. Review status: criteria provided, single submitter. Criteria: Ambry Variant Classification Scheme 2023. Collection method: clinical testing. Allele origin: germline.

Labcorp Genetics (formerly Invitae), Labcorp
Classification: Uncertain significance. Last evaluated: 2022-03-28. Review status: criteria provided, single submitter. Criteria: Invitae Variant Classification Sherloc (09022015). Collection method: clinical testing. Allele origin: germline.
Comment: This sequence change replaces aspartic acid, which is acidic and polar, with asparagine, which is neutral and polar, at codon 1482 of the ADGRV1 protein (p.Asp1482Asn). This variant is not present in population databases (gnomAD no frequency). This variant has not been reported in the literature in individuals affected with ADGRV1-related conditions. ClinVar contains an entry for this variant (Variation ID: 1317955). Algorithms developed to predict the effect of missense changes on protein structure and function are either unavailable or do not agree on the potential impact of this missense change (SIFT: "Deleterious"; PolyPhen-2: "Probably Damaging"; Align-GVGD: "Class C0"). In summary, the available evidence is currently insufficient to determine the role of this variant in disease. Therefore, it has been classified as a Variant of Uncertain Significance.

GeneDx
Classification: Uncertain significance. Last evaluated: 2020-06-29. Review status: criteria provided, single submitter. Criteria: GeneDx Variant Classification Process June 2021. Collection method: clinical testing. Allele origin: germline. Affected: yes.
Comment: Not observed in large population cohorts (Lek et al., 2016); In silico analysis supports that this missense variant has a deleterious effect on protein structure/function; Has not been previously published as pathogenic or benign to our knowledge

NM_032119.4(ADGRV1):c.4444G>A (p.Asp1482Asn)

Gene: ADGRV1 (adhesion G protein-coupled receptor V1; plus strand). Cytogenetic location: 5q14.3.
Variant type: single nucleotide variant.
Coding change: c.4444G>A on transcript NM_032119.4 (MANE Select); coding-DNA position 4444, G replaced by A.
Protein change: p.Asp1482Asn; replaces aspartic acid 1482 with asparagine.
Molecular consequence: missense variant. On other transcripts: non-coding transcript variant (1).
Genome position (GRCh38, 1-based): chr5:90,657,970, G>A. VCF-style: chr5-90657970-G-A. GRCh37 (hg19) VCF-style: chr5-89953787-G-A.
Other names: short protein forms D1482N.
Identifiers: ClinVar variation 1317955 (VCV001317955.4), dbSNP rs1331697643, ClinGen allele CA360403587.